The following is an entry in ClinVar:

NM_033380.3(COL4A5):c.928G>A (p.Gly310Arg)

Gene: COL4A5 (collagen type IV alpha 5 chain; plus strand). Cytogenetic location: Xq22.3.
Variant type: single nucleotide variant.
Coding change: c.928G>A on transcript NM_033380.3 (MANE Select); coding-DNA position 928, G replaced by A.
Protein change: p.Gly310Arg; replaces glycine 310 with arginine.
Molecular consequence: missense variant.
Genome position (GRCh38, 1-based): chrX:108,581,019, G>A. VCF-style: chrX-108581019-G-A. GRCh37 (hg19) VCF-style: chrX-107824249-G-A.
Other names: c.928G>A, p.Gly310Arg (NM_000495.5); short protein forms G310R.
Identifiers: ClinVar variation 2760638 (VCV002760638.3), dbSNP rs104886083, ClinGen allele CA258359.

ClinVar aggregate classification (germline): Likely pathogenic (1 of 4 stars; one submission).

Submission:

Labcorp Genetics (formerly Invitae), Labcorp
Classification: Likely pathogenic. Last evaluated: 2023-09-14. Review status: criteria provided, single submitter. Criteria: Invitae Variant Classification Sherloc (09022015). Collection method: clinical testing. Allele origin: germline.
Comment: This sequence change replaces glycine, which is neutral and non-polar, with arginine, which is basic and polar, at codon 310 of the COL4A5 protein (p.Gly310Arg). This variant is not present in population databases (gnomAD no frequency). This missense change has been observed in individual(s) with Alport syndrome (PMID: 17396119). This variant is also known as c.1130G>A. Advanced modeling of protein sequence and biophysical properties (such as structural, functional, and spatial information, amino acid conservation, physicochemical variation, residue mobility, and thermodynamic stability) performed at Invitae indicates that this missense variant is expected to disrupt COL4A5 protein function. This variant disrupts the triple helix domain of COL4A5. Glycine residues within the Gly-Xaa-Yaa repeats of the triple helix domain are required for the structure and stability of fibrillar collagens (PMID: 7695699, 8218237, 19344236). In COL4A5, missense variants at these glycine residues are significantly enriched in individuals with disease (PMID: 23720012, 27627812) compared to the general population (ExAC). This variant disrupts the p.Gly310 amino acid residue in COL4A5. Other variant(s) that disrupt this residue have been observed in individuals with COL4A5-related conditions (PMID: 24304881), which suggests that this may be a clinically significant amino acid residue. In summary, the currently available evidence indicates that the variant is pathogenic, but additional data are needed to prove that conclusively. Therefore, this variant has been classified as Likely Pathogenic.

Literature cited by the submitters: PubMed 17396119; PubMed 7695699; PubMed 8218237; PubMed 19344236; PubMed 23720012; PubMed 27627812; PubMed 24304881.